The following is an entry in ClinVar:

NM_000090.4(COL3A1):c.2121+18C>A

Gene: COL3A1 (collagen type III alpha 1 chain; plus strand). Cytogenetic location: 2q32.2.
Variant type: single nucleotide variant.
Coding change: c.2121+18C>A on transcript NM_000090.4 (MANE Select); 18 bases into the intron after coding-DNA position 2121, C replaced by A.
Molecular consequence: intron variant.
Genome position (GRCh38, 1-based): chr2:188,999,401, C>A. VCF-style: chr2-188999401-C-A. GRCh37 (hg19) VCF-style: chr2-189864127-C-A.
Identifiers: ClinVar variation 136852 (VCV000136852.7), dbSNP rs587780904, ClinGen allele CA005041.

ClinVar aggregate classification (germline): Benign/Likely benign. Review status: criteria provided, multiple submitters, no conflicts (2 of 4 stars). 3 submissions from 3 submitters: Benign (1); Likely benign (2). Last evaluated 2026-01-05.

Conditions:
Ehlers-Danlos syndrome, type 4 (EDSVASC). Also called: Ehlers-Danlos syndrome vascular type; Ehlers Danlos syndrome, ecchymotic type; Ehlers Danlos syndrome, arterial type; Ehlers Danlos syndrome, Sack-Barabas type; Ehlers-Danlos Syndrome Type IV. Identifiers: Orphanet 286, MedGen C0268338, MONDO:0017314, OMIM 130050.

Allele frequency attached by ClinVar (database versions not stated): gnomAD exomes 0.00002 and 0.00004; ExAC 0.00003; gnomAD 0.00003 and 0.00004; TOPMed 0.00003.
gnomAD v4.1: 63 of 1,613,416 alleles (0.0039%); highest among the groups gnomAD compares: Non-Finnish European, 0.0053%; no homozygotes.

Submissions (3):

Labcorp Genetics (formerly Invitae), Labcorp
Classification: Likely benign for Ehlers-Danlos syndrome, type 4. Last evaluated: 2026-01-05. Review status: criteria provided, single submitter. Criteria: Invitae Variant Classification Sherloc (09022015). Collection method: clinical testing. Allele origin: germline.

Women's Health and Genetics/Laboratory Corporation of America, LabCorp
Classification: Likely benign. Last evaluated: 2025-02-03. Review status: criteria provided, single submitter. Criteria: LabCorp Variant Classification Summary - May 2015. Collection method: clinical testing. Allele origin: germline.

GeneDx
Classification: Benign. Last evaluated: 2013-07-18. Review status: criteria provided, single submitter. Criteria: GeneDx Variant Classification (06012015). Collection method: clinical testing. Allele origin: germline. Affected: yes.
Comment: This variant is considered likely benign or benign based on one or more of the following criteria: it is a conservative change, it occurs at a poorly conserved position in the protein, it is predicted to be benign by multiple in silico algorithms, and/or has population frequency not consistent with disease.